The following is an entry in ClinVar:

ClinVar aggregate classification (germline): Uncertain significance (1 of 4 stars; one submission).

Conditions:
Huntington disease-like 1 (HDL1). Also called: HUNTINGTON-LIKE NEURODEGENERATIVE DISORDER 1; HUNTINGTON-LIKE NEURODEGENERATIVE DISORDER, AUTOSOMAL DOMINANT; PRION DISEASE, EARLY-ONSET, WITH PROMINENT PSYCHIATRIC FEATURES. Identifiers: Orphanet 157941, MedGen C1864112, MONDO:0011299, OMIM 603218.

Allele frequency attached by ClinVar (database versions not stated): ExAC 0.00002; gnomAD 0.00002; gnomAD exomes 0.00002; TOPMed 0.00005.

Submission:

Labcorp Genetics (formerly Invitae), Labcorp
Classification: Uncertain significance for Huntington disease-like 1. Last evaluated: 2022-08-09. Review status: criteria provided, single submitter. Criteria: Invitae Variant Classification Sherloc (09022015). Collection method: clinical testing. Allele origin: germline.
Comment: ClinVar contains an entry for this variant (Variation ID: 1496978). This variant has not been reported in the literature in individuals affected with PRNP-related conditions. This sequence change replaces proline, which is neutral and non-polar, with serine, which is neutral and polar, at codon 165 of the PRNP protein (p.Pro165Ser). This variant is present in population databases (rs770422749, gnomAD 0.009%). In summary, the available evidence is currently insufficient to determine the role of this variant in disease. Therefore, it has been classified as a Variant of Uncertain Significance. Algorithms developed to predict the effect of sequence changes on RNA splicing suggest that this variant may create or strengthen a splice site. Algorithms developed to predict the effect of missense changes on protein structure and function (SIFT, PolyPhen-2, Align-GVGD) all suggest that this variant is likely to be tolerated.

NM_000311.5(PRNP):c.493C>T (p.Pro165Ser)

Gene: PRNP (prion protein (Kanno blood group); plus strand). Cytogenetic location: 20p13.
Variant type: single nucleotide variant.
Coding change: c.493C>T on transcript NM_000311.5 (MANE Select); coding-DNA position 493, C replaced by T.
Protein change: p.Pro165Ser; replaces proline 165 with serine.
Molecular consequence: missense variant. On other transcripts: 3 prime UTR variant (1).
Genome position (GRCh38, 1-based): chr20:4,699,713, C>T. VCF-style: chr20-4699713-C-T. GRCh37 (hg19) VCF-style: chr20-4680359-C-T.
Other names: c.493C>T, p.Pro165Ser (NM_001080121.3, NM_001080122.3, NM_001080123.3 and 1 more transcripts); c.*182C>T (NM_001271561.3); short protein forms P165S.
Identifiers: ClinVar variation 1496978 (VCV001496978.6), dbSNP rs770422749, ClinGen allele CA9752084.
Genomic context (GRCh38, chr20:4,699,713, plus strand): 5'-TATGAGGACCGTTACTATCGTGAAAACATGCACCGTTACCCCAACCAAGTGTACTACAGG[C>T]CCATGGATGAGTACAGCAACCAGAACAACTTTGTGCACGACTGCGTCAATATCACAATCA-3'
Protein context (NP_000302.1, residues 155-175): HRYPNQVYYR[Pro165Ser]MDEYSNQNNF